The following is an entry in ClinVar:

NM_002458.3(MUC5B):c.2725G>A (p.Asp909Asn)

Gene: MUC5B (mucin 5B, oligomeric mucus/gel-forming; plus strand). Cytogenetic location: 11p15.5.
Variant type: single nucleotide variant.
Coding change: c.2725G>A on transcript NM_002458.3 (MANE Select); coding-DNA position 2725, G replaced by A.
Protein change: p.Asp909Asn; replaces aspartic acid 909 with asparagine.
Molecular consequence: missense variant.
Genome position (GRCh38, 1-based): chr11:1,235,179, G>A. VCF-style: chr11-1235179-G-A. GRCh37 (hg19) VCF-style: chr11-1256409-G-A.
Other names: short protein forms D909N.
Identifiers: ClinVar variation 1030557 (VCV001030557.2), dbSNP rs80298911, ClinGen allele CA5804779.

ClinVar aggregate classification (germline): Uncertain significance. Review status: criteria provided, multiple submitters, no conflicts (2 of 4 stars). 2 submissions from 2 submitters: Uncertain significance (2). Last evaluated 2022-01-31.

Conditions:
Interstitial lung disease 2 (ILD2). Also called: Familial idiopathic pulmonary fibrosis; FIBROCYSTIC PULMONARY DYSPLASIA; FIBROSING ALVEOLITIS, CRYPTOGENIC. Identifiers: Orphanet 2032, Orphanet 79126, MedGen C5561926, MONDO:0800497, OMIM 178500, MONDO:0800029.

Allele frequency attached by ClinVar (database versions not stated): ESP Exome Variant Server 0.00008; gnomAD 0.00017 and 0.00020; 1000 Genomes Project 30x 0.00031; ExAC 0.00032; 1000 Genomes Project 0.00040; TOPMed 0.00046.
gnomAD v4.1: 284 of 1,613,066 alleles (0.018%); highest among the groups gnomAD compares: East Asian, 0.25%; no homozygotes.

Submissions (2):

Fulgent Genetics
Classification: Uncertain significance for Interstitial lung disease 2. Last evaluated: 2022-01-31. Review status: criteria provided, single submitter. Criteria: ACMG Guidelines, 2015. Collection method: clinical testing. Allele origin: unknown.

Baylor Genetics
Classification: Uncertain significance for Interstitial lung disease 2. Last evaluated: 2020-03-20. Review status: criteria provided, single submitter. Criteria: ACMG Guidelines, 2015. Collection method: clinical testing. Allele origin: unknown. Affected: yes.
Comment: This variant was determined to be of uncertain significance according to ACMG Guidelines, 2015 [PMID:25741868].